The following is an entry in ClinVar:

ClinVar aggregate classification (germline): Uncertain significance. Review status: criteria provided, multiple submitters, no conflicts (2 of 4 stars). 2 submissions from 2 submitters: Uncertain significance (2). Last evaluated 2024-03-06.

Conditions:
Familial thoracic aortic aneurysm and aortic dissection (TAAD). Also called: Thoracic aortic aneurysms and dissections. Identifiers: Orphanet 91387, MedGen C4707243, MONDO:0019625.
Aortic aneurysm, familial thoracic 4 (AAT4). Also called: AORTIC ANEURYSM/AORTIC DISSECTION AND PATENT DUCTUS ARTERIOSUS. Identifiers: MedGen C1851504, MONDO:0007568, OMIM 132900.

Submissions (2):

Color Diagnostics, LLC DBA Color Health
Classification: Uncertain significance for Familial thoracic aortic aneurysm and aortic dissection. Last evaluated: 2024-03-06. Review status: criteria provided, single submitter. Criteria: ACMG Guidelines, 2015. Collection method: clinical testing. Allele origin: germline.
Comment: This missense variant replaces alanine with valine at codon 1421 of the MYH11 protein. Computational prediction is inconclusive regarding the impact of this variant on protein structure and function (internally defined REVEL score threshold 0.5 < inconclusive < 0.7, PMID: 27666373). Splice site prediction tools suggest that this variant may not impact RNA splicing. To our knowledge, functional studies have not been performed for this variant. This variant has not been reported in individuals affected with cardiovascular disorders in the literature. This variant has been identified in 2/251478 chromosomes in the general population by the Genome Aggregation Database (gnomAD). The available evidence is insufficient to determine the role of this variant in disease conclusively. Therefore, this variant is classified as a Variant of Uncertain Significance.

Labcorp Genetics (formerly Invitae), Labcorp
Classification: Uncertain significance for Aortic aneurysm, familial thoracic 4. Last evaluated: 2023-02-13. Review status: criteria provided, single submitter. Criteria: Invitae Variant Classification Sherloc (09022015). Collection method: clinical testing. Allele origin: germline.
Comment: In summary, the available evidence is currently insufficient to determine the role of this variant in disease. Therefore, it has been classified as a Variant of Uncertain Significance. An algorithm developed to predict the effect of missense changes on protein structure and function (PolyPhen-2) suggests that this variant is likely to be disruptive. ClinVar contains an entry for this variant (Variation ID: 928284). This variant has not been reported in the literature in individuals affected with MYH11-related conditions. The frequency data for this variant in the population databases is considered unreliable, as metrics indicate poor data quality at this position in the gnomAD database. This sequence change replaces alanine, which is neutral and non-polar, with valine, which is neutral and non-polar, at codon 1421 of the MYH11 protein (p.Ala1421Val).

NM_002474.3(MYH11):c.4241_4242delinsTG (p.Ala1414Val)

Genes: MYH11 (myosin heavy chain 11; minus strand), NDE1 (nudE neurodevelopment protein 1; plus strand). Cytogenetic location: 16p13.11.
Variant type: Indel.
Coding change: c.4241_4242delinsTG on transcript NM_002474.3 (MANE Select); coding-DNA positions 4241 to 4242, CT replaced by TG.
Protein change: p.Ala1414Val; replaces alanine 1414 with valine.
Molecular consequence: missense variant. On other transcripts: 3 prime UTR variant (2).
Genome position (GRCh38, 1-based): chr16:15,724,284-15,724,285, AG replaced by CA on the plus strand (CT replaced by TG on the coding strand, the reverse complement: MYH11 is on the minus strand). VCF-style: chr16-15724284-AG-CA. GRCh37 (hg19) VCF-style: chr16-15818141-AG-CA.
Other names: c.4262_4263delinsTG, p.Ala1421Val (NM_001040113.2, NM_001040114.2); c.4241_4242delinsTG, p.Ala1414Val (NM_022844.3); c.*33_*34delinsCA (NM_001143979.2, NM_017668.3); short protein forms A1414V, A1421V.
Identifiers: ClinVar variation 928284 (VCV000928284.8), dbSNP rs2040634438, ClinGen allele CA1139664533.